The following is an entry in ClinVar:

NM_002661.5(PLCG2):c.2914G>A (p.Val972Ile)

Gene: PLCG2 (phospholipase C gamma 2; plus strand). Cytogenetic location: 16q23.3.
Variant type: single nucleotide variant.
Coding change: c.2914G>A on transcript NM_002661.5 (MANE Select); coding-DNA position 2914, G replaced by A.
Protein change: p.Val972Ile; replaces valine 972 with isoleucine.
Molecular consequence: missense variant.
Genome position (GRCh38, 1-based): chr16:81,936,240, G>A. VCF-style: chr16-81936240-G-A. GRCh37 (hg19) VCF-style: chr16-81969845-G-A.
Other names: c.2914G>A, p.Val972Ile (NM_001425749.1, NM_001425750.1, NM_001425751.1); short protein forms V972I.
Identifiers: ClinVar variation 4751463 (VCV004751463.1).

ClinVar aggregate classification (germline): Uncertain significance (1 of 4 stars; one submission).

Conditions:
Familial cold autoinflammatory syndrome 3 (FCAS3). Also called: FAMILIAL ATYPICAL COLD URTICARIA; ANTIBODY DEFICIENCY AND IMMUNE DYSREGULATION, PLCG2-ASSOCIATED. Identifiers: Orphanet 300359, MedGen C3280914, MONDO:0013766, OMIM 614468.

Submission:

Labcorp Genetics (formerly Invitae), Labcorp
Classification: Uncertain significance for Familial cold autoinflammatory syndrome 3. Last evaluated: 2025-11-23. Review status: criteria provided, single submitter. Criteria: Invitae Variant Classification Sherloc (09022015). Collection method: clinical testing. Allele origin: germline.
Comment: This sequence change replaces valine, which is neutral and non-polar, with isoleucine, which is neutral and non-polar, at codon 972 of the PLCG2 protein (p.Val972Ile). This variant is present in population databases (rs369090249, gnomAD 0.009%). This variant has not been reported in the literature in individuals affected with PLCG2-related conditions. An algorithm developed to predict the effect of missense changes on protein structure and function outputs the following: PolyPhen-2: "Benign". The isoleucine amino acid residue is found in multiple mammalian species, which suggests that this missense change does not adversely affect protein function. In summary, the available evidence is currently insufficient to determine the role of this variant in disease. Therefore, it has been classified as a Variant of Uncertain Significance.